The following is an entry in ClinVar:

ClinVar aggregate classification (germline): Uncertain significance (1 of 4 stars; one submission).

Conditions:
Tuberous sclerosis 1 (TSC1). Identifiers: Orphanet 805, MedGen C1854465, MONDO:0008612, OMIM 191100.

Submission:

Labcorp Genetics (formerly Invitae), Labcorp
Classification: Uncertain significance for Tuberous sclerosis 1. Last evaluated: 2020-06-15. Review status: criteria provided, single submitter. Criteria: Invitae Variant Classification Sherloc (09022015). Collection method: clinical testing. Allele origin: germline.
Comment: In summary, the available evidence is currently insufficient to determine the role of this variant in disease. Therefore, it has been classified as a Variant of Uncertain Significance. Algorithms developed to predict the effect of missense changes on protein structure and function are either unavailable or do not agree on the potential impact of this missense change (SIFT: "Deleterious"; PolyPhen-2: "Probably Damaging"; Align-GVGD: "Class C0"). This variant has not been reported in the literature in individuals with TSC1-related conditions. This variant is not present in population databases (ExAC no frequency). This sequence change replaces arginine with proline at codon 706 of the TSC1 protein (p.Arg706Pro). The arginine residue is highly conserved and there is a moderate physicochemical difference between arginine and proline.

NM_000368.5(TSC1):c.2117G>C (p.Arg706Pro)

Gene: TSC1 (TSC complex subunit 1; minus strand). Cytogenetic location: 9q34.13.
Variant type: single nucleotide variant.
Coding change: c.2117G>C on transcript NM_000368.5 (MANE Select); coding-DNA position 2117, G replaced by C.
Protein change: p.Arg706Pro; replaces arginine 706 with proline.
Molecular consequence: missense variant.
Genome position (GRCh38, 1-based): chr9:132,903,742, C>G on the plus strand (G>C on the coding strand, the complement: TSC1 is on the minus strand). VCF-style: chr9-132903742-C-G. GRCh37 (hg19) VCF-style: chr9-135779129-C-G.
Other names: c.2114G>C, p.Arg705Pro (NM_001162426.2); c.1964G>C, p.Arg655Pro (NM_001162427.2); c.1754G>C, p.Arg585Pro (NM_001362177.2); short protein forms R585P, R655P, R705P, R706P.
Identifiers: ClinVar variation 1012028 (VCV001012028.8), dbSNP rs1588304158, ClinGen allele CA375361016.
Genomic context (GRCh38, chr9:132,903,742, plus strand): 5'-GCTTTGATCACCTTGCGGAGGAGCCGCCTGTTCCGGAGGGCATGCTGCTGCCTCTTAAAA[C>G]GCTCATAGAGTAACTGGTTGTGCAGTAAAAGCAACTGGTCTCGGAGGGTGCGGATCTCAT-3'
Protein context (NP_000359.1, residues 696-716): LLLHNQLLYE[Arg706Pro]FKRQQHALRN